The following is an entry in ClinVar:

NM_003924.4(PHOX2B):c.49T>C (p.Cys17Arg)

Genes: PHOX2B (paired like homeobox 2B; minus strand), PHOX2B-AS1 (PHOX2B antisense RNA 1; plus strand). Cytogenetic location: 4p13.
Variant type: single nucleotide variant.
Coding change: c.49T>C on transcript NM_003924.4 (MANE Select); coding-DNA position 49, T replaced by C.
Protein change: p.Cys17Arg; replaces cysteine 17 with arginine.
Molecular consequence: missense variant.
Genome position (GRCh38, 1-based): chr4:41,748,562, A>G on the plus strand (T>C on the coding strand, the complement: PHOX2B is on the minus strand). VCF-style: chr4-41748562-A-G. GRCh37 (hg19) VCF-style: chr4-41750579-A-G.
Other names: short protein forms C17R.
Identifiers: ClinVar variation 2002969 (VCV002002969.4), dbSNP rs2552097195, ClinGen allele CA356741262.

ClinVar aggregate classification (germline): Uncertain significance (1 of 4 stars; one submission).

Conditions:
Haddad syndrome (OHD). Also called: Ondine-Hirschsprung disease. Identifiers: Orphanet 99803, MedGen C1859049, MONDO:0020493.

Submission:

Labcorp Genetics (formerly Invitae), Labcorp
Classification: Uncertain significance for Haddad syndrome. Last evaluated: 2022-06-08. Review status: criteria provided, single submitter. Criteria: Invitae Variant Classification Sherloc (09022015). Collection method: clinical testing. Allele origin: germline.
Comment: In summary, the available evidence is currently insufficient to determine the role of this variant in disease. Therefore, it has been classified as a Variant of Uncertain Significance. Algorithms developed to predict the effect of missense changes on protein structure and function (SIFT, PolyPhen-2, Align-GVGD) all suggest that this variant is likely to be disruptive. This variant has not been reported in the literature in individuals affected with PHOX2B-related conditions. This variant is not present in population databases (gnomAD no frequency). This sequence change replaces cysteine, which is neutral and slightly polar, with arginine, which is basic and polar, at codon 17 of the PHOX2B protein (p.Cys17Arg).